The following is an entry in ClinVar:

ClinVar aggregate classification (germline): Uncertain significance (1 of 4 stars; one submission).

Conditions:
Paroxysmal nonkinesigenic dyskinesia. Also called: Paroxysmal non-kinesigenic dyskinesia. Identifiers: Orphanet 98810, MedGen C1869117, MONDO:0700088.

Allele frequency attached by ClinVar (database versions not stated): gnomAD 0.00001; gnomAD exomes 0.00001; ExAC 0.00002; TOPMed 0.00002.
gnomAD v4.1: 8 of 1,601,452 alleles (0.0005%); highest among the groups gnomAD compares: African/African-American, 0.0027%; no homozygotes.

Submission:

Labcorp Genetics (formerly Invitae), Labcorp
Classification: Uncertain significance for Paroxysmal nonkinesigenic dyskinesia. Last evaluated: 2024-09-24. Review status: criteria provided, single submitter. Criteria: Invitae Variant Classification Sherloc (09022015). Collection method: clinical testing. Allele origin: germline.
Comment: This sequence change replaces arginine, which is basic and polar, with histidine, which is basic and polar, at codon 182 of the PNKD protein (p.Arg182His). The frequency data for this variant in the population databases is considered unreliable, as metrics indicate poor data quality at this position in the gnomAD database. This variant has not been reported in the literature in individuals affected with PNKD-related conditions. Invitae Evidence Modeling of protein sequence and biophysical properties (such as structural, functional, and spatial information, amino acid conservation, physicochemical variation, residue mobility, and thermodynamic stability) indicates that this missense variant is not expected to disrupt PNKD protein function with a negative predictive value of 80%. In summary, the available evidence is currently insufficient to determine the role of this variant in disease. Therefore, it has been classified as a Variant of Uncertain Significance.

NM_015488.5(PNKD):c.545G>A (p.Arg182His)

Genes: CATIP-AS2 (CATIP antisense RNA 2; minus strand), PNKD (PNKD metallo-beta-lactamase domain containing; plus strand). Cytogenetic location: 2q35.
Variant type: single nucleotide variant.
Coding change: c.545G>A on transcript NM_015488.5 (MANE Select); coding-DNA position 545, G replaced by A.
Protein change: p.Arg182His; replaces arginine 182 with histidine.
Molecular consequence: missense variant.
Genome position (GRCh38, 1-based): chr2:218,341,554, G>A. VCF-style: chr2-218341554-G-A. GRCh37 (hg19) VCF-style: chr2-219206277-G-A.
Other names: c.473G>A, p.Arg158His (NM_022572.5); short protein forms R182H, R158H.
Identifiers: ClinVar variation 2913956 (VCV002913956.3), dbSNP rs767210828, ClinGen allele CA2104004.
Genomic context (GRCh38, chr2:218,341,554, plus strand): 5'-TGCCCCTCGAAGCCCCCTGCCTGTCTCTGCTGTCCTGCAGGGACCACAGTGGAGGGAACC[G>A]TGACCTCAGCCGGCGGCACCGGGACTGTCGGGTGTACGGGAGCCCTCAGGACGGCATCCC-3'
Protein context (NP_056303.3, residues 172-192): HKHWDHSGGN[Arg182His]DLSRRHRDCR